The following is an entry in ClinVar:

ClinVar aggregate classification (germline): Uncertain significance (1 of 4 stars; one submission).

Conditions:
Dystonic disorder. Also called: Dystonia. Identifiers: MedGen C0013421, MONDO:0003441, HP:0001332.

Allele frequency attached by ClinVar (database versions not stated): gnomAD exomes below 0.00001.
gnomAD v4.1: 1 of 1,609,508 alleles (0.000062%); highest among the groups gnomAD compares: Admixed American, 0.0017%; no homozygotes.

Submission:

Labcorp Genetics (formerly Invitae), Labcorp
Classification: Uncertain significance for Dystonic disorder. Last evaluated: 2022-09-12. Review status: criteria provided, single submitter. Criteria: Invitae Variant Classification Sherloc (09022015). Collection method: clinical testing. Allele origin: germline.
Comment: This variant has not been reported in the literature in individuals affected with ANO3-related conditions. In summary, the available evidence is currently insufficient to determine the role of this variant in disease. Therefore, it has been classified as a Variant of Uncertain Significance. Algorithms developed to predict the effect of sequence changes on RNA splicing suggest that this variant may disrupt the consensus splice site. This variant is present in population databases (no rsID available, gnomAD 0.003%). This sequence change affects an acceptor splice site in intron 24 of the ANO3 gene. It is expected to disrupt RNA splicing. Variants that disrupt the donor or acceptor splice site typically lead to a loss of protein function (PMID: 16199547), however the current clinical and genetic evidence is not sufficient to establish whether loss-of-function variants in ANO3 cause disease.

Literature cited by the submitters: PubMed 16199547.

NM_031418.4(ANO3):c.2577-2A>G

Gene: ANO3 (anoctamin 3; plus strand). Cytogenetic location: 11p14.2.
Variant type: single nucleotide variant.
Coding change: c.2577-2A>G on transcript NM_031418.4 (MANE Select); the canonical splice acceptor site of the intron before coding-DNA position 2577, A replaced by G.
Molecular consequence: splice acceptor variant.
Genome position (GRCh38, 1-based): chr11:26,656,123, A>G. VCF-style: chr11-26656123-A-G. GRCh37 (hg19) VCF-style: chr11-26677670-A-G.
Other names: c.2760-2A>G (NM_001313726.2); c.2139-2A>G (NM_001313727.2).
Identifiers: ClinVar variation 2104423 (VCV002104423.4), dbSNP rs1371900437, ClinGen allele CA379939556.